The following is an entry in ClinVar:

ClinVar aggregate classification (germline): Likely pathogenic (1 of 4 stars; one submission).

Conditions:
Methylmalonic aciduria, cblB type (MACB). Also called: METHYLMALONIC ACIDURIA, VITAMIN B12-RESPONSIVE, DUE TO DEFECT IN SYNTHESIS OF ADENOSYLCOBALAMIN, cblB TYPE; Vitamin B12-responsive methylmalonic acidemia type cblB; Methylmalonic acidemia cblB type. Identifiers: Orphanet 28, Orphanet 79311, MedGen C1855102, MONDO:0009614, OMIM 251110.

Submission:

Labcorp Genetics (formerly Invitae), Labcorp
Classification: Likely pathogenic for Methylmalonic aciduria, cblB type. Last evaluated: 2023-06-14. Review status: criteria provided, single submitter. Criteria: Invitae Variant Classification Sherloc (09022015). Collection method: clinical testing. Allele origin: germline.
Comment: This sequence change affects a donor splice site in intron 1 of the MMAB gene. It is expected to disrupt RNA splicing. Variants that disrupt the donor or acceptor splice site typically lead to a loss of protein function (PMID: 16199547), and loss-of-function variants in MMAB are known to be pathogenic (PMID: 15781192, 16410054). This variant is not present in population databases (gnomAD no frequency). This variant has not been reported in the literature in individuals affected with MMAB-related conditions. Algorithms developed to predict the effect of sequence changes on RNA splicing suggest that this variant may disrupt the consensus splice site. In summary, the currently available evidence indicates that the variant is pathogenic, but additional data are needed to prove that conclusively. Therefore, this variant has been classified as Likely Pathogenic.

Literature cited by the submitters: PubMed 16199547; PubMed 15781192; PubMed 16410054.

NM_052845.4(MMAB):c.134+1G>T

Genes: MVK (mevalonate kinase; plus strand), MMAB (metabolism of cobalamin associated B; minus strand). Cytogenetic location: 12q24.11.
Variant type: single nucleotide variant.
Coding change: c.134+1G>T on transcript NM_052845.4 (MANE Select); the canonical splice donor site of the intron after coding-DNA position 134, G replaced by T.
Molecular consequence: splice donor variant.
Genome position (GRCh38, 1-based): chr12:109,573,346, C>A on the plus strand (G>T on the coding strand, the complement: MMAB is on the minus strand). VCF-style: chr12-109573346-C-A. GRCh37 (hg19) VCF-style: chr12-110011151-C-A.
Identifiers: ClinVar variation 2715184 (VCV002715184.3), dbSNP rs2548614097, ClinGen allele CA386641098.